The following is an entry in ClinVar:

NM_003754.3(EIF3F):c.33T>C (p.Pro11=)

Gene: EIF3F (eukaryotic translation initiation factor 3 subunit F; plus strand). Cytogenetic location: 11p15.4.
Variant type: single nucleotide variant.
Coding change: c.33T>C on transcript NM_003754.3 (MANE Select); coding-DNA position 33, T replaced by C.
Protein change: p.Pro11=; no amino-acid change (proline 11 retained).
Molecular consequence: synonymous variant.
Genome position (GRCh38, 1-based): chr11:7,987,385, T>C. VCF-style: chr11-7987385-T-C. GRCh37 (hg19) VCF-style: chr11-8008932-T-C.
Identifiers: ClinVar variation 5039985 (VCV005039985.1).

ClinVar aggregate classification (germline): Likely benign (1 of 4 stars; one submission).

gnomAD v4.1: 2 of 1,598,894 alleles (0.00013%); highest among the groups gnomAD compares: Non-Finnish European, 0.000085%; no homozygotes.

Submission:

CeGaT Center for Human Genetics Tuebingen
Classification: Likely benign. Last evaluated: 2026-07-01. Review status: criteria provided, single submitter. Criteria: CeGaT Center For Human Genetics Tuebingen Variant Classification Criteria Version 2. Collection method: clinical testing. Allele origin: germline. Affected: yes. Observed: 1 variant allele.
Comment: EIF3F: BP4, BP7